The following is an entry in ClinVar:

ClinVar aggregate classification (germline): Uncertain significance. Review status: criteria provided, multiple submitters, no conflicts (2 of 4 stars). 7 submissions from 2 submitters: Uncertain significance (7). Last evaluated 2024-10-12.

Conditions:
Charcot-Marie-Tooth disease axonal type 2C (HMSN2C). Also called: CHARCOT-MARIE-TOOTH DISEASE, AXONAL, AUTOSOMAL DOMINANT, TYPE 2C; Charcot-Marie-Tooth Neuropathy Type 2C; Charcot-Marie-Tooth Disease Type 2, TRPV4-Related (CMT2C). Identifiers: Orphanet 99937, MedGen C1853710, MONDO:0011633, OMIM 606071.
Neuronopathy, distal hereditary motor, autosomal dominant 8. Also called: NEURONOPATHY, DISTAL HEREDITARY MOTOR, TYPE VIII; NEUROPATHY, DISTAL HEREDITARY MOTOR, TYPE VIII; Autosomal dominant congenital benign spinal muscular atrophy; SPINAL MUSCULAR ATROPHY, CONGENITAL BENIGN, WITH CONTRACTURES. Identifiers: Orphanet 1216, MedGen C1838492, MONDO:0010839, OMIM 600175.
Spondylometaphyseal dysplasia, Kozlowski type (SMDK). Also called: Dysmorphism arthrogryposis skeletal maturation advanced; Jequier-Kozlowski syndrome; Skeletal dysplasia Jequier-Kozlowski type; SMD Kozlowski type; Spondylometaphyseal Dysplasia, TRPV4-Related (Kozlowski Type). Identifiers: Orphanet 93314, MedGen C0265280, MONDO:0008477, OMIM 184252.
Metatropic dysplasia (MTD). Also called: Metatropic dysplasia, nonlethal dominant; METATROPIC DWARFISM; Metatropic Dysplasia, TRPV4-Related. Identifiers: Orphanet 2635, MedGen C0265281, MONDO:0007986, OMIM 156530.
Brachyrachia (short spine dysplasia) (BCYM3). Also called: Brachyolmia Type 3; Autosomal dominant brachyolmia; BRACHYRACHIA; Brachyolmia, TRPV4-Related. Identifiers: Orphanet 93304, MedGen C0432227, MONDO:0007232, OMIM 113500.
Scapuloperoneal spinal muscular atrophy (SPSMA). Also called: Scapuloperoneal Form of Spinal Muscular Atrophy; Scapuloperoneal spinal muscular atrophy, autosomal dominant; Scapuloperoneal Spinal Muscular Atrophy, TRPV4-Related; AMYOTROPHY, NEUROGENIC SCAPULOPERONEAL, NEW ENGLAND TYPE. Identifiers: Orphanet 431255, MedGen C0751335, MONDO:0008408, OMIM 181405.

Allele frequency attached by ClinVar (database versions not stated): gnomAD exomes below 0.00001.
gnomAD v4.1: 1 of 1,614,190 alleles (0.000062%); highest among the groups gnomAD compares: Non-Finnish European, 0.000085%; no homozygotes.

Submissions (7):

Labcorp Genetics (formerly Invitae), Labcorp
Classification: Uncertain significance for Charcot-Marie-Tooth disease axonal type 2C. Last evaluated: 2024-10-12. Review status: criteria provided, single submitter. Criteria: Invitae Variant Classification Sherloc (09022015). Collection method: clinical testing. Allele origin: germline.
Comment: This sequence change replaces alanine, which is neutral and non-polar, with valine, which is neutral and non-polar, at codon 266 of the TRPV4 protein (p.Ala266Val). This variant is not present in population databases (gnomAD no frequency). This variant has not been reported in the literature in individuals affected with TRPV4-related conditions. ClinVar contains an entry for this variant (Variation ID: 881124). Invitae Evidence Modeling of protein sequence and biophysical properties (such as structural, functional, and spatial information, amino acid conservation, physicochemical variation, residue mobility, and thermodynamic stability) has been performed for this missense variant. However, the output from this modeling did not meet the statistical confidence thresholds required to predict the impact of this variant on TRPV4 protein function. In summary, the available evidence is currently insufficient to determine the role of this variant in disease. Therefore, it has been classified as a Variant of Uncertain Significance.

Illumina Laboratory Services, Illumina
Classification: Uncertain significance for Metatropic dysplasia. Last evaluated: 2018-01-13. Review status: criteria provided, single submitter. Criteria: ICSL Variant Classification Criteria 13 December 2019. Collection method: clinical testing. Allele origin: germline.

Illumina Laboratory Services, Illumina
Classification: Uncertain significance for Brachyrachia (short spine dysplasia). Last evaluated: 2018-01-13. Review status: criteria provided, single submitter. Criteria: ICSL Variant Classification Criteria 13 December 2019. Collection method: clinical testing. Allele origin: germline.

Illumina Laboratory Services, Illumina
Classification: Uncertain significance for Charcot-Marie-Tooth disease axonal type 2C. Last evaluated: 2018-01-13. Review status: criteria provided, single submitter. Criteria: ICSL Variant Classification Criteria 13 December 2019. Collection method: clinical testing. Allele origin: germline.

Illumina Laboratory Services, Illumina
Classification: Uncertain significance for Neuronopathy, distal hereditary motor, autosomal dominant 8. Last evaluated: 2018-01-13. Review status: criteria provided, single submitter. Criteria: ICSL Variant Classification Criteria 13 December 2019. Collection method: clinical testing. Allele origin: germline.

Illumina Laboratory Services, Illumina
Classification: Uncertain significance for Spondylometaphyseal dysplasia, Kozlowski type. Last evaluated: 2018-01-13. Review status: criteria provided, single submitter. Criteria: ICSL Variant Classification Criteria 13 December 2019. Collection method: clinical testing. Allele origin: germline.

Illumina Laboratory Services, Illumina
Classification: Uncertain significance for Scapuloperoneal spinal muscular atrophy. Last evaluated: 2018-01-13. Review status: criteria provided, single submitter. Criteria: ICSL Variant Classification Criteria 13 December 2019. Collection method: clinical testing. Allele origin: germline.

NM_021625.5(TRPV4):c.797C>T (p.Ala266Val)

Gene: TRPV4 (transient receptor potential cation channel subfamily V member 4; minus strand). Cytogenetic location: 12q24.11.
Variant type: single nucleotide variant.
Coding change: c.797C>T on transcript NM_021625.5 (MANE Select); coding-DNA position 797, C replaced by T.
Protein change: p.Ala266Val; replaces alanine 266 with valine.
Molecular consequence: missense variant. On other transcripts: intron variant (2).
Genome position (GRCh38, 1-based): chr12:109,800,674, G>A on the plus strand (C>T on the coding strand, the complement: TRPV4 is on the minus strand). VCF-style: chr12-109800674-G-A. GRCh37 (hg19) VCF-style: chr12-110238479-G-A.
Other names: c.797C>T, p.Ala266Val (NM_147204.3); c.713-1762C>T (NM_001177433.1, NM_001177428.1); c.695C>T, p.Ala232Val (NM_001177431.2); short protein forms A232V, A266V.
Identifiers: ClinVar variation 881124 (VCV000881124.6), dbSNP rs1890720450, ClinGen allele CA386655340.